The following is an entry in ClinVar:

NC_012920.1(MT-TK):m.8360A>G

Gene: MT-TK (mitochondrially encoded tRNA lysine; plus strand).
Variant type: single nucleotide variant.
Genome position: chrM-8360-A-G.
Identifiers: ClinVar variation 690083 (VCV000690083.1), dbSNP rs1603221422, ClinGen allele CA913179093.

ClinVar aggregate classification (germline): Benign (1 of 4 stars; one submission).

Conditions:
MELAS syndrome (MELAS). Also called: Juvenile myopathy, encephalopathy, lactic acidosis, stroke. Identifiers: Orphanet 550, MedGen C0162671, MONDO:0010789, OMIM 540000.

Submission:

Wong Mito Lab, Molecular and Human Genetics, Baylor College of Medicine
Classification: Benign for MELAS syndrome. Last evaluated: 2019-07-12. Review status: criteria provided, single submitter. Criteria: Modified ACMG Guidelines (Unpublished). Collection method: clinical testing. Allele origin: germline.
Comment: The NC_012920.1:m.8360A>G variant in MT-TK gene is interpreted to be a Benign variant based on the modified ACMG guidelines (unpublished). This variant meets the following evidence codes reported in the guidelines: BS1, BS2, BP4

Literature cited by the submitters: PubMed 31965079.